The following is an entry in ClinVar:

NM_000088.4(COL1A1):c.896G>T (p.Gly299Val)

Genes: COL1A1 (collagen type I alpha 1 chain; minus strand), LOC126862586 (CDK7 strongly-dependent group 2 enhancer GRCh37_chr17:48273702-48274901; plus strand). Cytogenetic location: 17q21.33.
Variant type: single nucleotide variant.
Coding change: c.896G>T on transcript NM_000088.4 (MANE Select); coding-DNA position 896, G replaced by T.
Protein change: p.Gly299Val; replaces glycine 299 with valine.
Molecular consequence: missense variant.
Genome position (GRCh38, 1-based): chr17:50,196,491, C>A on the plus strand (G>T on the coding strand, the complement: COL1A1 is on the minus strand). VCF-style: chr17-50196491-C-A. GRCh37 (hg19) VCF-style: chr17-48273852-C-A.
Other names: short protein forms G299V.
Identifiers: ClinVar variation 4075333 (VCV004075333.1).

ClinVar aggregate classification (germline): Pathogenic (1 of 4 stars; one submission).

Conditions:
Osteogenesis imperfecta type I (OI1). Also called: Classic Non-deforming Osteogenesis Imperfecta with Blue Sclerae; Lobstein disease; OI, TYPE I; OSTEOGENESIS IMPERFECTA TARDA; OSTEOGENESIS IMPERFECTA WITH BLUE SCLERAE; Osteogenesis imperfecta type 1. Identifiers: Orphanet 216796, Orphanet 666, MedGen C0023931, MONDO:0008146, OMIM 166200. Disease mechanism: loss of function.

Submission:

Clinical Biomedical Laboratory, Shriners Hospital For Children - Canada
Classification: Pathogenic for Osteogenesis imperfecta type I. Last evaluated: 2025-07-16. Review status: criteria provided, single submitter. Criteria: ACMG Guidelines, 2015. Collection method: clinical testing. Allele origin: germline. Affected: yes.
Comment: This variant is predicted to substitute a glycine residue by a valine residue in the alpha 1 chain of collagen type I. Glycine substitutions in the triple helical domain of collagen type I cause disruption in the formation of the triple helix in the collagen molecule and are a typical cause of osteogenesis imperfecta. This variant is absent from Genome Aggregation Database v.2.1.1, indicating it is very rare. Prediction algorithms suggest that this variant is deleterious (REVEL 1.00).